The following is an entry in ClinVar:

NM_001077350.3(NPRL3):c.587C>T (p.Pro196Leu)

Genes: HBA-LCR (alpha-globin locus control region; plus strand), NPRL3 (NPR3 like, GATOR1 complex subunit; minus strand). Cytogenetic location: 16p13.3.
Variant type: single nucleotide variant.
Coding change: c.587C>T on transcript NM_001077350.3 (MANE Select); coding-DNA position 587, C replaced by T.
Protein change: p.Pro196Leu; replaces proline 196 with leucine.
Molecular consequence: missense variant.
Genome position (GRCh38, 1-based): chr16:110,567, G>A on the plus strand (C>T on the coding strand, the complement: NPRL3 is on the minus strand). VCF-style: chr16-110567-G-A. GRCh37 (hg19) VCF-style: chr16-160565-G-A.
Other names: c.50C>T, p.Pro17Leu (NM_001039476.3); c.353C>T, p.Pro118Leu (NM_001243247.2); c.512C>T, p.Pro171Leu (NM_001243248.2, NM_001243249.2); short protein forms P118L, P171L, P17L, P196L.
Identifiers: ClinVar variation 4976217 (VCV004976217.1).
Genomic context (GRCh38, chr16:110,567, plus strand): 5'-CACACCCACCTGTCTTACCTGTCATAAGCTTCCTTGAGGTCCCTGGCCAGCTTGCACTTG[G>A]GCAGGATGTGATGGAATGGGGACTGAGGACCTTCATTTCCTACAAGAATCACAACACAAG-3'
Protein context (NP_001070818.1, residues 186-206): GPQSPFHHIL[Pro196Leu]KCKLARDLKE

ClinVar aggregate classification (germline): Uncertain significance (1 of 4 stars; one submission).

gnomAD v4.1: 1 of 1,612,166 alleles (0.000062%); highest among the groups gnomAD compares: Non-Finnish European, 0.000085%; no homozygotes.

Submission:

GeneDx
Classification: Uncertain significance. Last evaluated: 2026-02-05. Review status: criteria provided, single submitter. Criteria: GeneDx Variant Classification Process June 2021. Collection method: clinical testing. Allele origin: germline.
Comment: Not observed at significant frequency in large population cohorts (gnomAD); In silico analysis supports that this missense variant has a deleterious effect on protein structure/function; Has not been previously published as pathogenic or benign to our knowledge